The following is an entry in ClinVar:

NM_020975.6(RET):c.1141T>C (p.Phe381Leu)

Gene: RET (ret proto-oncogene; plus strand). Cytogenetic location: 10q11.21.
Variant type: single nucleotide variant.
Coding change: c.1141T>C on transcript NM_020975.6 (MANE Select); coding-DNA position 1141, T replaced by C.
Protein change: p.Phe381Leu; replaces phenylalanine 381 with leucine.
Molecular consequence: missense variant.
Genome position (GRCh38, 1-based): chr10:43,109,108, T>C. VCF-style: chr10-43109108-T-C. GRCh37 (hg19) VCF-style: chr10-43604556-T-C.
Other names: c.1141T>C, p.Phe381Leu (NM_000323.2, NM_001406743.1, NM_001406744.1 and 6 more transcripts); c.379T>C, p.Phe127Leu (NM_001355216.2); c.1012T>C, p.Phe338Leu (NM_001406761.1, NM_001406762.1, NM_001406764.1 and 1 more transcripts); c.853T>C, p.Phe285Leu (NM_001406766.1, NM_001406767.1, NM_001406770.1); c.703T>C, p.Phe235Leu (NM_001406771.1, NM_001406773.1); c.415T>C, p.Phe139Leu (NM_001406775.1, NM_001406776.1, NM_001406777.1 and 1 more transcripts); c.151T>C, p.Phe51Leu (NM_001406784.1); short protein forms F381L, F127L, F235L, F338L, F139L, F285L, F51L.
Identifiers: ClinVar variation 822241 (VCV000822241.19), dbSNP rs781362020, ClinGen allele CA031741.

ClinVar aggregate classification (germline): Conflicting classifications of pathogenicity. Review status: criteria provided, conflicting classifications (1 of 4 stars). 6 submissions from 6 submitters: Uncertain significance (4); Likely benign (2). Last evaluated 2026-10-01.

Conditions:
RET-related disorder. Also called: RET-related condition; RET-related disease; RET-related disorders.
Hereditary cancer-predisposing syndrome. Also called: Hereditary neoplastic syndrome; Tumor predisposition; Neoplastic Syndromes, Hereditary; Hereditary Cancer Syndrome. Identifiers: Orphanet 140162, MedGen C0027672, MeSH D009386, MONDO:0015356.
Familial hyperparathyroidism or Hypocalciuric hypercalcaemia.
Multiple endocrine neoplasia, type 2 (MEN2). Identifiers: Orphanet 653, MedGen C4048306, MONDO:0019003. Disease mechanism: gain of function.
Multiple endocrine neoplasia type 2A. Also called: MULTIPLE ENDOCRINE NEOPLASIA, TYPE IIA; PTC SYNDROME; SIPPLE SYNDROME; MEN 2A; MEN-2A syndrome; Pheochromocytoma and amyloid producing medullary thyroid carcinoma. Identifiers: Orphanet 247698, Orphanet 653, MedGen C0025268, MeSH D018813, MONDO:0008234, OMIM 171400.

Allele frequency attached by ClinVar (database versions not stated): gnomAD below 0.00001 and 0.00001; ExAC 0.00001; gnomAD exomes 0.00002 and 0.00003.
gnomAD v4.1: 28 of 1,613,778 alleles (0.0017%); highest among the groups gnomAD compares: Middle Eastern, 0.033%; no homozygotes.

Submissions (6):

Cambridge Genomics Laboratory, East Genomic Laboratory Hub, NHS Genomic Medicine Service
Classification: Likely benign for Familial hyperparathyroidism or Hypocalciuric hypercalcaemia. Last evaluated: 2026-10-01. Review status: criteria provided, single submitter. Criteria: ACGS Best Practice Guidelines for Variant Classification in Rare Disease 2020. Collection method: clinical testing. Allele origin: germline. Affected: yes.

PreventionGenetics, part of Exact Sciences
Classification: Uncertain significance for RET-related condition. Last evaluated: 2026-07-02. Review status: criteria provided, single submitter. Criteria: ACMG Guidelines, 2015. Collection method: clinical testing. Allele origin: germline.
Comment: The RET c.1141T>C variant is predicted to result in the amino acid substitution p.Phe381Leu. This variant has been reported in an individual with osteosarcoma (Kovac et al. 2020. PubMed ID: 32179705). This variant is reported in 0.023% of alleles in individuals of South Asian descent in gnomAD. This variant has conflicting interpretations in ClinVar ranging from uncertain to likely benign (Variation ID: 822241). At this time, the clinical significance of this variant is uncertain due to the absence of conclusive functional and genetic evidence.

Labcorp Genetics (formerly Invitae), Labcorp
Classification: Uncertain significance for Multiple endocrine neoplasia, type 2. Last evaluated: 2025-11-18. Review status: criteria provided, single submitter. Criteria: Invitae Variant Classification Sherloc (09022015). Collection method: clinical testing. Allele origin: germline.
Comment: This sequence change replaces phenylalanine, which is neutral and non-polar, with leucine, which is neutral and non-polar, at codon 381 of the RET protein (p.Phe381Leu). This variant is present in population databases (rs781362020, gnomAD 0.03%). This missense change has been observed in individual(s) with osteosarcoma (PMID: 32179705). ClinVar contains an entry for this variant (Variation ID: 822241). An algorithm developed to predict the effect of missense changes on protein structure and function (PolyPhen-2) suggests that this variant is likely to be disruptive. In summary, the available evidence is currently insufficient to determine the role of this variant in disease. Therefore, it has been classified as a Variant of Uncertain Significance.

Laboratory of Molecular and Cytogenetics, Department of Anatomy, All India Institute of Medical Sciences (AIIMS)
Classification: Uncertain significance for Multiple endocrine neoplasia type 2A. Last evaluated: 2023-06-10. Review status: criteria provided, single submitter. Criteria: ACMG Guidelines, 2015. Collection method: clinical testing. Allele origin: germline. Affected: yes. Observed: 1 variant allele.

Ambry Genetics
Classification: Likely benign for Hereditary cancer-predisposing syndrome. Last evaluated: 2023-01-13. Review status: criteria provided, single submitter. Criteria: Ambry Variant Classification Scheme 2023. Collection method: clinical testing. Allele origin: germline.

Revvity Omics, Revvity
Classification: Uncertain significance. Last evaluated: 2020-04-01. Review status: criteria provided, single submitter. Criteria: ACMG Guidelines, 2015. Collection method: clinical testing. Allele origin: germline.

Literature cited by the submitters: PubMed 32179705 (cited by Labcorp Genetics (formerly Invitae), Labcorp).